The following is an entry in ClinVar:

NM_000505.4(F12):c.1599A>G (p.Ser533=)

Gene: F12 (coagulation factor XII; minus strand). Cytogenetic location: 5q35.3.
Variant type: single nucleotide variant.
Coding change: c.1599A>G on transcript NM_000505.4 (MANE Select); coding-DNA position 1599, A replaced by G.
Protein change: p.Ser533=; no amino-acid change (serine 533 retained).
Molecular consequence: synonymous variant.
Genome position (GRCh38, 1-based): chr5:177,402,631, T>C on the plus strand (A>G on the coding strand, the complement: F12 is on the minus strand). VCF-style: chr5-177402631-T-C. GRCh37 (hg19) VCF-style: chr5-176829632-T-C.
Identifiers: ClinVar variation 983443 (VCV000983443.2), dbSNP rs1424350386, ClinGen allele CA447964367.

ClinVar aggregate classification (germline): Uncertain significance (1 of 4 stars; one submission).

Conditions:
Hereditary angioedema type 3 (HAE3). Also called: ANGIONEUROTIC EDEMA, HEREDITARY, WITH NORMAL C1 INHIBITOR CONCENTRATION AND FUNCTION; HAE WITH NORMAL C1 INHIBITOR CONCENTRATION AND FUNCTION; ESTROGEN-RELATED HAE; ESTROGEN-SENSITIVE HAE. Identifiers: Orphanet 100054, MedGen C1857728, MONDO:0012526, OMIM 610618.

Allele frequency attached by ClinVar (database versions not stated): gnomAD 0.00001; TOPMed 0.00001.

Submission:

CeMIA
Classification: Uncertain significance for Hereditary angioedema type 3. Review status: criteria provided, single submitter. Criteria: ACMG Guidelines, 2015. Collection method: clinical testing. Allele origin: germline. Observed: 1 variant allele.
Comment: It was not detected amongst 125,748 exomes and 15,708 genomes of the Genome Aggregation Database (gnomAD), indicating that it is not a common variant. Taking all the above into account and according to ACMG Guidelines (Criteria: PM2) the variant is considered as of uncertain significance.